The following is an entry in ClinVar:

ClinVar aggregate classification (germline): Likely benign (1 of 4 stars; one submission).

Conditions:
Hypophosphatasia. Also called: Phosphoethanol-aminuria. Identifiers: Orphanet 436, MedGen C0020630, MeSH D007014, MONDO:0018570.

Submission:

Genomenon, Inc
Classification: Likely benign for Hypophosphatasia. Last evaluated: 2026-09-01. Review status: criteria provided, single submitter. Criteria: Genomenon Sequence Variant Interpretation Standards - Updated. Collection method: curation. Allele origin: germline. Affected: no.
Comment: ALPL c.472+12dup is a duplication variant located in intron 5. This variant has been reported in the published literature (PMID:34213743). It is absent or not present at a significant frequency in gnomAD. This variant is not predicted to impact splicing. In conclusion, we classify ALPL c.472+12dup as a likely benign variant.

Literature cited by the submitters: PubMed 34213743.

NM_000478.6(ALPL):c.472+12dup

Gene: ALPL (alkaline phosphatase, biomineralization associated; plus strand). Cytogenetic location: 1p36.12.
Variant type: Duplication.
Coding change: c.472+12dup on transcript NM_000478.6 (MANE Select); 12 bases into the intron after coding-DNA position 472, one base duplicated (G; older notation c.472+12dupG).
Molecular consequence: intron variant.
Genome position (GRCh38, 1-based): chr1:21,563,296, G duplicated; the last of 5 consecutive G bases (chr1:21,563,292-21,563,296); duplicating any one gives the same sequence. VCF-style (leftmost placement, unchanged base first): chr1-21563291-C-CG. GRCh37 (hg19) VCF-style: chr1-21889784-C-CG.
Other names: c.472+12dup (NM_001369805.2, NM_001369804.2, NM_001369803.2); c.307+12dup (NM_001127501.4); c.241+12dup (NM_001177520.3).
Identifiers: ClinVar variation 4974804 (VCV004974804.1).